The following is an entry in ClinVar:

ClinVar aggregate classification (germline): Uncertain significance (1 of 4 stars; one submission).

Conditions:
MEGF8-related Carpenter syndrome. Also called: Carpenter syndrome 2. Identifiers: Orphanet 65759, MedGen C3554247, MONDO:0013998, OMIM 614976.

Allele frequency attached by ClinVar (database versions not stated): ESP Exome Variant Server 0.00008; ExAC 0.00012; gnomAD 0.00016; TOPMed 0.00017; 1000 Genomes Project 30x 0.00031; 1000 Genomes Project 0.00040.
gnomAD v4.1: 157 of 1,612,798 alleles (0.0097%); highest among the groups gnomAD compares: Admixed American, 0.022%; no homozygotes.

Submission:

Labcorp Genetics (formerly Invitae), Labcorp
Classification: Uncertain significance for MEGF8-related Carpenter syndrome. Last evaluated: 2024-12-02. Review status: criteria provided, single submitter. Criteria: Invitae Variant Classification Sherloc (09022015). Collection method: clinical testing. Allele origin: germline.
Comment: This sequence change replaces threonine, which is neutral and polar, with methionine, which is neutral and non-polar, at codon 435 of the MEGF8 protein (p.Thr435Met). This variant is present in population databases (rs200021307, gnomAD 0.03%). This variant has not been reported in the literature in individuals affected with MEGF8-related conditions. ClinVar contains an entry for this variant (Variation ID: 2056446). An algorithm developed to predict the effect of missense changes on protein structure and function (PolyPhen-2) suggests that this variant¬†is likely to be tolerated. In summary, the available evidence is currently insufficient to determine the role of this variant in disease. Therefore, it has been classified as a Variant of Uncertain Significance.

NM_001271938.2(MEGF8):c.1304C>T (p.Thr435Met)

Gene: MEGF8 (multiple EGF like domains 8; plus strand). Cytogenetic location: 19q13.2.
Variant type: single nucleotide variant.
Coding change: c.1304C>T on transcript NM_001271938.2 (MANE Select); coding-DNA position 1304, C replaced by T.
Protein change: p.Thr435Met; replaces threonine 435 with methionine.
Molecular consequence: missense variant.
Genome position (GRCh38, 1-based): chr19:42,336,866, C>T. VCF-style: chr19-42336866-C-T. GRCh37 (hg19) VCF-style: chr19-42841018-C-T.
Other names: c.1304C>T, p.Thr435Met (NM_001410.3); short protein forms T435M.
Identifiers: ClinVar variation 2056446 (VCV002056446.2), dbSNP rs200021307, ClinGen allele CA9474412.